The following is an entry in ClinVar:

NM_001987.5(ETV6):c.613C>G (p.Leu205Val)

Gene: ETV6 (ETS variant transcription factor 6; plus strand). Cytogenetic location: 12p13.2.
Variant type: single nucleotide variant.
Coding change: c.613C>G on transcript NM_001987.5 (MANE Select); coding-DNA position 613, C replaced by G.
Protein change: p.Leu205Val; replaces leucine 205 with valine.
Molecular consequence: missense variant.
Genome position (GRCh38, 1-based): chr12:11,869,573, C>G. VCF-style: chr12-11869573-C-G. GRCh37 (hg19) VCF-style: chr12-12022507-C-G.
Other names: c.610C>G, p.Leu204Val (NM_001413913.1); c.586C>G, p.Leu196Val (NM_001413914.1); c.349C>G, p.Leu117Val (NM_001413915.1); c.613C>G, p.Leu205Val (NM_001413916.1, NM_001413917.1); short protein forms L117V, L196V, L204V, L205V.
Identifiers: ClinVar variation 2015628 (VCV002015628.6), dbSNP rs1367618113, ClinGen allele CA384043581.

ClinVar aggregate classification (germline): Uncertain significance. Review status: criteria provided, multiple submitters, no conflicts (2 of 4 stars). 3 submissions from 3 submitters: Uncertain significance (3). Last evaluated 2024-12-20.

Conditions:
Inborn genetic diseases. Identifiers: MedGen C0950123, MeSH D030342.

Allele frequency attached by ClinVar (database versions not stated): TOPMed below 0.00001; gnomAD 0.00001.
gnomAD v4.1: 12 of 1,614,068 alleles (0.00074%); highest among the groups gnomAD compares: Non-Finnish European, 0.00093%; no homozygotes.

Submissions (3):

Ambry Genetics
Classification: Uncertain significance for Inborn genetic diseases. Last evaluated: 2024-12-20. Review status: criteria provided, single submitter. Criteria: Ambry Variant Classification Scheme 2023. Collection method: clinical testing. Allele origin: germline.
Comment: The p.L205V variant (also known as c.613C>G), located in coding exon 5 of the ETV6 gene, results from a C to G substitution at nucleotide position 613. The leucine at codon 205 is replaced by valine, an amino acid with highly similar properties. This amino acid position is conserved. In addition, this alteration is predicted to be tolerated by in silico analysis. Based on the available evidence, the clinical significance of this variant remains unclear.

Labcorp Genetics (formerly Invitae), Labcorp
Classification: Uncertain significance. Last evaluated: 2023-10-20. Review status: criteria provided, single submitter. Criteria: Invitae Variant Classification Sherloc (09022015). Collection method: clinical testing. Allele origin: germline.
Comment: This sequence change replaces leucine, which is neutral and non-polar, with valine, which is neutral and non-polar, at codon 205 of the ETV6 protein (p.Leu205Val). This variant is not present in population databases (gnomAD no frequency). This variant has not been reported in the literature in individuals affected with ETV6-related conditions. ClinVar contains an entry for this variant (Variation ID: 2015628). Advanced modeling of protein sequence and biophysical properties (such as structural, functional, and spatial information, amino acid conservation, physicochemical variation, residue mobility, and thermodynamic stability) performed at Invitae indicates that this missense variant is not expected to disrupt ETV6 protein function. In summary, the available evidence is currently insufficient to determine the role of this variant in disease. Therefore, it has been classified as a Variant of Uncertain Significance.

GeneDx
Classification: Uncertain significance. Last evaluated: 2023-04-25. Review status: criteria provided, single submitter. Criteria: GeneDx Variant Classification Process June 2021. Collection method: clinical testing. Allele origin: germline. Affected: yes.
Comment: Not observed at significant frequency in large population cohorts (gnomAD); In silico analysis supports that this missense variant does not alter protein structure/function; Has not been previously published as pathogenic or benign to our knowledge; This variant is associated with the following publications: (PMID: 28555414, 28637624)